The following is an entry in ClinVar:

NM_002439.5(MSH3):c.2142G>T (p.Lys714Asn)

Gene: MSH3 (mutS homolog 3; plus strand). Cytogenetic location: 5q14.1.
Variant type: single nucleotide variant.
Coding change: c.2142G>T on transcript NM_002439.5 (MANE Select); coding-DNA position 2142, G replaced by T.
Protein change: p.Lys714Asn; replaces lysine 714 with asparagine.
Molecular consequence: missense variant.
Genome position (GRCh38, 1-based): chr5:80,768,892, G>T. VCF-style: chr5-80768892-G-T. GRCh37 (hg19) VCF-style: chr5-80064711-G-T.
Other names: short protein forms K714N.
Identifiers: ClinVar variation 2126143 (VCV002126143.4), dbSNP rs2546774244, ClinGen allele CA360279377.

ClinVar aggregate classification (germline): Uncertain significance (1 of 4 stars; one submission).

Submission:

Labcorp Genetics (formerly Invitae), Labcorp
Classification: Uncertain significance. Last evaluated: 2024-10-22. Review status: criteria provided, single submitter. Criteria: Invitae Variant Classification Sherloc (09022015). Collection method: clinical testing. Allele origin: germline.
Comment: This sequence change replaces lysine, which is basic and polar, with asparagine, which is neutral and polar, at codon 714 of the MSH3 protein (p.Lys714Asn). This variant is not present in population databases (gnomAD no frequency). This variant has not been reported in the literature in individuals affected with MSH3-related conditions. ClinVar contains an entry for this variant (Variation ID: 2126143). An algorithm developed to predict the effect of missense changes on protein structure and function (PolyPhen-2) suggests that this variant is likely to be disruptive. Algorithms developed to predict the effect of sequence changes on RNA splicing suggest that this variant may disrupt the consensus splice site. In summary, the available evidence is currently insufficient to determine the role of this variant in disease. Therefore, it has been classified as a Variant of Uncertain Significance.